The following is an entry in ClinVar:

NM_000283.4(PDE6B):c.271C>T (p.Arg91Cys)

Gene: PDE6B (phosphodiesterase 6B; plus strand). Cytogenetic location: 4p16.3.
Variant type: single nucleotide variant.
Coding change: c.271C>T on transcript NM_000283.4 (MANE Select); coding-DNA position 271, C replaced by T.
Protein change: p.Arg91Cys; replaces arginine 91 with cysteine.
Molecular consequence: missense variant.
Genome position (GRCh38, 1-based): chr4:625,897, C>T. VCF-style: chr4-625897-C-T. GRCh37 (hg19) VCF-style: chr4-619686-C-T.
Other names: c.271C>T (NM_000283.3); c.271C>T, p.Arg91Cys (NM_001145291.2); short protein forms R91C.
Identifiers: ClinVar variation 1052752 (VCV001052752.12), dbSNP rs747747667, ClinGen allele CA2793895.

ClinVar aggregate classification (germline): Uncertain significance. Review status: criteria provided, multiple submitters, no conflicts (2 of 4 stars). 4 submissions from 4 submitters: Uncertain significance (4). Last evaluated 2026-08-06.

Conditions:
Inborn genetic diseases. Identifiers: MedGen C0950123, MeSH D030342.
Retinitis pigmentosa 40 (RP40). Identifiers: Orphanet 791, MedGen C3151107, MONDO:0013429, OMIM 613801.

Allele frequency attached by ClinVar (database versions not stated): ExAC 0.00002; gnomAD 0.00004; 1000 Genomes Project 30x 0.00031; gnomAD exomes 0.00001.
gnomAD v4.1: 14 of 1,603,600 alleles (0.00087%); highest among the groups gnomAD compares: African/African-American, 0.011%; no homozygotes.

Submissions (4):

OLLIN Analises Genomicas, OLLIN
Classification: Uncertain significance for Retinitis pigmentosa 40. Last evaluated: 2026-08-06. Review status: criteria provided, single submitter. Criteria: ACMG Guidelines 2015 PMID 25741868. Collection method: clinical testing. Allele origin: germline. Inheritance: Autosomal dominant inheritance.
Comment: This missense variant, located in exon 1 (of 22), has been reported in ClinVar (accession VCV001052752.10) and in gnomAD with an allele frequency of 0.00087%. However, to our knowledge, it has not been reported in the scientific literature. In silico analysis is inconclusive regarding the impact of this variant. According to the currently available evidence, this variant has been classified as uncertain significance (PM2_P).

Ambry Genetics
Classification: Uncertain significance for Inborn genetic diseases. Last evaluated: 2025-11-17. Review status: criteria provided, single submitter. Criteria: Ambry Variant Classification Scheme 2023. Collection method: clinical testing. Allele origin: germline.

Labcorp Genetics (formerly Invitae), Labcorp
Classification: Uncertain significance. Last evaluated: 2025-11-03. Review status: criteria provided, single submitter. Criteria: Invitae Variant Classification Sherloc (09022015). Collection method: clinical testing. Allele origin: germline.
Comment: This sequence change replaces arginine, which is basic and polar, with cysteine, which is neutral and slightly polar, at codon 91 of the PDE6B protein (p.Arg91Cys). This variant is present in population databases (rs747747667, gnomAD 0.02%). This variant has not been reported in the literature in individuals affected with PDE6B-related conditions. ClinVar contains an entry for this variant (Variation ID: 1052752). Invitae Evidence Modeling of protein sequence and biophysical properties (such as structural, functional, and spatial information, amino acid conservation, physicochemical variation, residue mobility, and thermodynamic stability) indicates that this missense variant is not expected to disrupt PDE6B protein function with a negative predictive value of 80%. In summary, the available evidence is currently insufficient to determine the role of this variant in disease. Therefore, it has been classified as a Variant of Uncertain Significance.

Blueprint Genetics
Classification: Uncertain significance. Last evaluated: 2019-07-19. Review status: criteria provided, single submitter. Criteria: ACMG Guidelines, 2015. Collection method: clinical testing. Allele origin: germline.